The following is an entry in ClinVar:

ClinVar aggregate classification (germline): Likely benign. Review status: criteria provided, multiple submitters, no conflicts (2 of 4 stars). 3 submissions from 3 submitters: Likely benign (3). Last evaluated 2026-02-02.

Allele frequency attached by ClinVar (database versions not stated): ExAC 0.00005; TOPMed 0.00005; gnomAD 0.00006; gnomAD exomes 0.00006 and 0.00016; 1000 Genomes Project 0.00020; 1000 Genomes Project 30x 0.00031.
gnomAD v4.1: 233 of 1,610,366 alleles (0.014%); highest among the groups gnomAD compares: Non-Finnish European, 0.019%; no homozygotes.

Submissions (3):

Labcorp Genetics (formerly Invitae), Labcorp
Classification: Likely benign. Last evaluated: 2026-02-02. Review status: criteria provided, single submitter. Criteria: Invitae Variant Classification Sherloc (09022015). Collection method: clinical testing. Allele origin: germline.

Mayo Clinic Laboratories, Mayo Clinic
Classification: Likely benign. Last evaluated: 2025-09-09. Review status: criteria provided, single submitter. Criteria: ACMG Guidelines, 2015. Collection method: clinical testing. Allele origin: germline. Observed: 1 variant allele.
Comment: BP4, BP7

CeGaT Center for Human Genetics Tuebingen
Classification: Likely benign. Last evaluated: 2022-07-01. Review status: criteria provided, single submitter. Criteria: CeGaT Center For Human Genetics Tuebingen Variant Classification Criteria Version 2. Collection method: clinical testing. Allele origin: germline. Affected: yes. Observed: 1 variant allele.
Comment: CCDC88C: BP4, BP7

NM_001080414.4(CCDC88C):c.1680G>A (p.Glu560=)

Gene: CCDC88C (coiled-coil and HOOK domain protein 88C; minus strand). Cytogenetic location: 14q32.11.
Variant type: single nucleotide variant.
Coding change: c.1680G>A on transcript NM_001080414.4 (MANE Select); coding-DNA position 1680, G replaced by A.
Protein change: p.Glu560=; no amino-acid change (glutamic acid 560 retained).
Molecular consequence: synonymous variant.
Genome position (GRCh38, 1-based): chr14:91,314,136, C>T on the plus strand (G>A on the coding strand, the complement: CCDC88C is on the minus strand). VCF-style: chr14-91314136-C-T. GRCh37 (hg19) VCF-style: chr14-91780480-C-T.
Other names: p.Glu560=.
Identifiers: ClinVar variation 756134 (VCV000756134.32), dbSNP rs186738597, ClinGen allele CA7309842.
Genomic context (GRCh38, chr14:91,314,136, plus strand): 5'-GCTGACCTGCGACCTCTCCCGCAGCGACCACATGGCTCGGTTGAGGTGGTCCTTTTCCTG[C>T]TCAAGGTCCTTGATCTACGGGAAAACACAACAGGCACAACCCAGGCTGCTGCAGGAACCT-3'
Protein context (NP_001073883.2, residues 550-570): ADKARQIKDL[Glu560=]QEKDHLNRAM